The following is an entry in ClinVar:

NM_000092.5(COL4A4):c.1399_1400del (p.Pro467fs)

Gene: COL4A4 (collagen type IV alpha 4 chain; minus strand). Cytogenetic location: 2q36.3.
Variant type: Deletion.
Coding change: c.1399_1400del on transcript NM_000092.5 (MANE Select); coding-DNA positions 1399 to 1400, 2 bases deleted (CC; older notation c.1399_1400delCC).
Protein change: p.Pro467fs; shifts the reading frame from proline 467.
Molecular consequence: frameshift variant.
Genome position (GRCh38, 1-based): chr2:227,089,927-227,089,928, GG deleted on the plus strand (CC on the coding strand, the reverse complement: COL4A4 is on the minus strand). VCF-style (leftmost placement, unchanged base first): chr2-227089926-TGG-T. GRCh37 (hg19) VCF-style: chr2-227954642-TGG-T.
Other names: c.1399_1400delCC (NM_000092.5); short protein forms P467fs.
Identifiers: ClinVar variation 3585883 (VCV003585883.2).

ClinVar aggregate classification (germline): Likely pathogenic. Review status: criteria provided, multiple submitters, no conflicts (2 of 4 stars). 2 submissions from 2 submitters: Likely pathogenic (2). Last evaluated 2025-07-10.

Conditions:
Autosomal recessive Alport syndrome (ATS2). Also called: COL4A4 Alport Syndrome and Thin Basement Membrane Nephropathy; ALPORT SYNDROME 2, AUTOSOMAL RECESSIVE; Alport syndrome type 2; COL4A3-Related Nephropathy. Identifiers: Orphanet 63, Orphanet 88919, MedGen C4746745, MONDO:0008762, OMIM 203780.
Hematuria, benign familial, 1 (BFH1). Also called: THIN MEMBRANE NEPHROPATHY. Identifiers: MedGen CN376803, MONDO:0007709, OMIM 141200.

Submissions (2):

First Genomix Gene Laboratory, Genetic Diagnostics Department
Classification: Likely pathogenic for Autosomal recessive Alport syndrome. Last evaluated: 2025-07-10. Review status: criteria provided, single submitter. Criteria: ACMG Guidelines, 2015. Collection method: clinical testing. Allele origin: germline. Inheritance: Autosomal recessive inheritance. Affected: no. Observed: 1 variant allele.

Fulgent Genetics
Classification: Likely pathogenic for Hematuria, benign familial, 1; Autosomal recessive Alport syndrome. Last evaluated: 2024-02-19. Review status: criteria provided, single submitter. Criteria: ACMG Guidelines, 2015. Collection method: clinical testing. Allele origin: germline.